The following is an entry in ClinVar:

ClinVar aggregate classification (germline): Likely pathogenic (1 of 4 stars; one submission).

Conditions:
Alstrom syndrome (ALMS). Identifiers: Orphanet 64, MedGen C0268425, MONDO:0008763, OMIM 203800.

Submission:

Myriad Genetics, Inc.
Classification: Likely pathogenic for Alstrom syndrome. Last evaluated: 2021-12-08. Review status: criteria provided, single submitter. Criteria: Myriad Women's Health Autosomal Recessive and X-Linked Classification Criteria (2021). Collection method: clinical testing. Allele origin: unknown.
Comment: NM_015120.4(ALMS1):c.988G>T(E330*) is expected to be pathogenic in the context of Alstrom syndrome. This variant is predicted to lead to an abnormal or absent protein product due to the creation of a premature termination codon in ALMS1, a gene where loss-of-function variants are known to be pathogenic. Please note: this variant was assessed in the context of healthy population screening.

NM_001378454.1(ALMS1):c.985G>T (p.Glu329Ter)

Gene: ALMS1 (ALMS1 centrosome and basal body associated protein; plus strand). Cytogenetic location: 2p13.1.
Variant type: single nucleotide variant.
Coding change: c.985G>T on transcript NM_001378454.1 (MANE Select); coding-DNA position 985, G replaced by T.
Protein change: p.Glu329Ter; replaces glutamic acid 329 with a stop codon.
Molecular consequence: nonsense.
Genome position (GRCh38, 1-based): chr2:73,424,650, G>T. VCF-style: chr2-73424650-G-T. GRCh37 (hg19) VCF-style: chr2-73651778-G-T.
Other names: c.988G>T, p.Glu330Ter (NM_015120.4); short protein forms E329*, E330*.
Identifiers: ClinVar variation 1726047 (VCV001726047.2), dbSNP rs2466046577, ClinGen allele CA347261133.
Genomic context (GRCh38, chr2:73,424,650, plus strand): 5'-CAGTGCCCTTTTTTACCTTCTGAACAAGGGAATAATGAAGAGACTATTTCGTCTGTTGAT[G>T]AACTGAAAATTCCCAAAGACTGTGATCGTTATGATGATCTTTGTTCATATATGTCATGGA-3'